The following is an entry in ClinVar:

ClinVar aggregate classification (germline): Likely benign. Review status: criteria provided, multiple submitters, no conflicts (2 of 4 stars). 4 submissions from 4 submitters: Likely benign (4). Last evaluated 2026-02-18.

Conditions:
ATP2B2-related disorder. Also called: ATP2B2-related condition.

Allele frequency attached by ClinVar (database versions not stated): gnomAD exomes 0.00001 and 0.00002; ExAC 0.00003; gnomAD 0.00012 and 0.00014; 1000 Genomes Project 30x 0.00016; 1000 Genomes Project 0.00020.
gnomAD v4.1: 44 of 1,608,350 alleles (0.0027%); highest among the groups gnomAD compares: Admixed American, 0.038%; no homozygotes.

Submissions (4):

PreventionGenetics, part of Exact Sciences
Classification: Likely benign for ATP2B2-related condition. Last evaluated: 2026-02-18. Review status: criteria provided, single submitter. Criteria: ACMG Guidelines, 2015. Collection method: clinical testing. Allele origin: germline.
Comment: This variant is classified as likely benign based on ACMG/AMP sequence variant interpretation guidelines (Richards et al. 2015 PMID: 25741868, with internal and published modifications).

Labcorp Genetics (formerly Invitae), Labcorp
Classification: Likely benign. Last evaluated: 2025-12-23. Review status: criteria provided, single submitter. Criteria: Invitae Variant Classification Sherloc (09022015). Collection method: clinical testing. Allele origin: germline.

CeGaT Center for Human Genetics Tuebingen
Classification: Likely benign. Last evaluated: 2025-08-01. Review status: criteria provided, single submitter. Criteria: CeGaT Center For Human Genetics Tuebingen Variant Classification Criteria Version 2. Collection method: clinical testing. Allele origin: germline. Affected: yes. Observed: 2 variant alleles.
Comment: ATP2B2: BP4, BP7

Blueprint Genetics
Classification: Likely benign. Last evaluated: 2020-10-23. Review status: criteria provided, single submitter. Criteria: ACMG Guidelines, 2015. Collection method: clinical testing. Allele origin: germline.

NM_001001331.4(ATP2B2):c.1710G>A (p.Glu570=)

Gene: ATP2B2 (ATPase plasma membrane Ca2+ transporting 2; minus strand). Cytogenetic location: 3p25.3.
Variant type: single nucleotide variant.
Coding change: c.1710G>A on transcript NM_001001331.4 (MANE Select); coding-DNA position 1710, G replaced by A.
Protein change: p.Glu570=; no amino-acid change (glutamic acid 570 retained).
Molecular consequence: synonymous variant.
Genome position (GRCh38, 1-based): chr3:10,360,073, C>T on the plus strand (G>A on the coding strand, the complement: ATP2B2 is on the minus strand). VCF-style: chr3-10360073-C-T. GRCh37 (hg19) VCF-style: chr3-10401757-C-T.
Other names: c.1575G>A, p.Glu525= (NM_001330611.3, NM_001353564.1, NM_001363862.1 and 1 more transcripts); c.1575G>A (NM_001683.3).
Identifiers: ClinVar variation 1463932 (VCV001463932.39), dbSNP rs554270950, ClinGen allele CA2253591.